The following is an entry in ClinVar:

ClinVar aggregate classification (germline): Conflicting classifications of pathogenicity. Review status: criteria provided, conflicting classifications (1 of 4 stars). 8 submissions from 8 submitters: Pathogenic (3); Likely pathogenic (1); Uncertain significance (2). 2 of the submissions do not count toward it. Last evaluated 2025-12-08.

Conditions:
Cardiovascular phenotype. Identifiers: MedGen CN230736.
Primary dilated cardiomyopathy (DCM). Also called: Dilated Cardiomyopathy. Identifiers: Orphanet 217604, MedGen C0007193, MeSH D002311, MONDO:0005021, HP:0001644. Inheritance: Various modes of inheritance.
Dilated cardiomyopathy 1DD (CMD1DD). Identifiers: Orphanet 154, MedGen C2750995, MONDO:0013168, OMIM 613172.

Allele frequency attached by ClinVar (database versions not stated): gnomAD 0.00001; TOPMed 0.00001.
gnomAD v4.1: 6 of 1,551,568 alleles (0.00039%); highest among the groups gnomAD compares: Non-Finnish European, 0.00052%; no homozygotes.

Submissions (8):

Labcorp Genetics (formerly Invitae), Labcorp
Classification: Pathogenic for Dilated cardiomyopathy 1DD. Last evaluated: 2025-12-08. Review status: criteria provided, single submitter. Criteria: Invitae Variant Classification Sherloc (09022015). Collection method: clinical testing. Allele origin: germline.
Comment: This sequence change creates a premature translational stop signal (p.Arg726*) in the RBM20 gene. It is expected to result in an absent or disrupted protein product. Loss-of-function variants in RBM20 are known to be pathogenic (PMID: 20590677, 22004663, 38288598, 38510713, 40339755). This variant is not present in population databases (gnomAD no frequency). This premature translational stop signal has been observed in individual(s) with clinical features of RBM20-related conditions (PMID: 31317183, 33662488, 35653365). ClinVar contains an entry for this variant (Variation ID: 538028). For these reasons, this variant has been classified as Pathogenic.

Lildballe Lab, Aarhus University Hospital
Classification: Pathogenic for dilated cardiomyopathy. Last evaluated: 2024-03-01. Review status: criteria provided, single submitter. Criteria: ACMG Guidelines, 2015. Collection method: research. Allele origin: germline. Affected: yes.
Comment: PS4(m), PVS1(vs), PM2(sup)

GeneDx
Classification: Uncertain significance. Last evaluated: 2023-06-28. Review status: criteria provided, single submitter. Criteria: GeneDx Variant Classification Process June 2021. Collection method: clinical testing. Allele origin: germline. Affected: yes.
Comment: Nonsense variant predicted to result in protein truncation or nonsense mediated decay in a gene or region of a gene for which loss of function is not a well-established mechanism of disease; Identified in patients with cardiomyopathy; however, detailed clinical information was not provided (Augusto et al., 2019; Alimohamed et al., 2021; Stava et al., 2022; Boen et al., 2022); Not observed at significant frequency in large population cohorts (gnomAD); This variant is associated with the following publications: (PMID: 33662488, 35653365, 31317183, 35581137)

Ambry Genetics
Classification: Uncertain significance for Cardiovascular phenotype. Last evaluated: 2022-02-18. Review status: criteria provided, single submitter. Criteria: Ambry Variant Classification Scheme 2023. Collection method: clinical testing. Allele origin: germline.
Comment: The p.R726* variant (also known as c.2176C>T), located in coding exon 9 of the RBM20 gene, results from a C to T substitution at nucleotide position 2176. This changes the amino acid from an arginine to a stop codon within coding exon 9. This variant has been detected in a dilated cardiomyopathy cohort; however, details were limited (Augusto JB et al. Eur Heart J Cardiovasc Imaging, 2020 03;21:326-336). This alteration is expected to result in premature protein truncation or nonsense-mediated mRNA decay. However, loss of function of RBM20 has not been clearly established as a mechanism of disease. Since supporting evidence is limited at this time, the clinical significance of this alteration remains unclear.

Loeys Lab, Universiteit Antwerpen
Classification: Pathogenic for Primary dilated cardiomyopathy. Last evaluated: 2021-02-26. Review status: criteria provided, single submitter. Criteria: ACMG Guidelines, 2015. Collection method: clinical testing. Allele origin: somatic. Affected: yes. Observed: 1 variant allele, 1 heterozygote.
Comment: This sequence change results in a frameshift variant in the RBM20 gene (p.(Arg726*)). Loss of function of RBM20 causes an abnormal intracellular calcium handling (PMID:32789749). The constraint matrix (GnomAd) shows a significant absence of LoF-variants in population databases indicating LoF is a likely disease mechanism (PVS1). This variant is absent from population databases such as GnomAD (PM2). The variant has not been described before. No functional data are available. This variant was identified in a family with DCM and showed co-segregation in >7 family members (PP1). In conclusion this variant was classified as a pathogenic variant according to ACMG-guidelines (PVS1; PM2; PP1).

Baylor Genetics
Classification: Likely pathogenic for Dilated cardiomyopathy 1DD. Last evaluated: 2020-06-08. Review status: criteria provided, single submitter. Criteria: ACMG Guidelines, 2015. Collection method: clinical testing. Allele origin: unknown. Affected: yes.
Comment: This variant was determined to be likely pathogenic according to ACMG Guidelines, 2015 [PMID:25741868].

Diagnostic Laboratory, Department of Genetics, University Medical Center Groningen
Classification: Likely pathogenic. Review status: no assertion criteria provided. Collection method: clinical testing. Allele origin: germline. Affected: yes. Study: VKGL Data-share Consensus. Not counted in ClinVar's aggregate classification.

Joint Genome Diagnostic Labs from Nijmegen and Maastricht, Radboudumc and MUMC+
Classification: Likely pathogenic. Review status: no assertion criteria provided. Collection method: clinical testing. Allele origin: germline. Affected: yes. Study: VKGL Data-share Consensus. Not counted in ClinVar's aggregate classification.

Literature cited by the submitters: PubMed 20590677 (cited by Labcorp Genetics (formerly Invitae), Labcorp); PubMed 22004663 (cited by Labcorp Genetics (formerly Invitae), Labcorp); PubMed 38288598 (cited by Labcorp Genetics (formerly Invitae), Labcorp); PubMed 38510713 (cited by Labcorp Genetics (formerly Invitae), Labcorp); PubMed 40339755 (cited by Labcorp Genetics (formerly Invitae), Labcorp); PubMed 31317183 (cited by Labcorp Genetics (formerly Invitae), Labcorp and Ambry Genetics); PubMed 33662488 (cited by Labcorp Genetics (formerly Invitae), Labcorp); PubMed 35653365 (cited by Labcorp Genetics (formerly Invitae), Labcorp); PubMed 25741904 (cited by Lildballe Lab, Aarhus University Hospital); PubMed 39481677 (cited by Lildballe Lab, Aarhus University Hospital); PubMed 32789749 (cited by Loeys Lab, Universiteit Antwerpen).

NM_001134363.3(RBM20):c.2176C>T (p.Arg726Ter)

Gene: RBM20 (RNA binding motif protein 20; plus strand). Cytogenetic location: 10q25.2.
Variant type: single nucleotide variant.
Coding change: c.2176C>T on transcript NM_001134363.3 (MANE Select); coding-DNA position 2176, C replaced by T.
Protein change: p.Arg726Ter; replaces arginine 726 with a stop codon.
Molecular consequence: nonsense.
Genome position (GRCh38, 1-based): chr10:110,812,573, C>T. VCF-style: chr10-110812573-C-T. GRCh37 (hg19) VCF-style: chr10-112572331-C-T.
Other names: short protein forms R726*.
Identifiers: ClinVar variation 538028 (VCV000538028.20), dbSNP rs1393804220, ClinGen allele CA378372392.
Genomic context (GRCh38, chr10:110,812,573, plus strand): 5'-CCCTGGGCACATGATCGCAAACACCACCCCCGGCAACTGGACAAGGCTGAGTTGGACGAG[C>T]GACCAGAAGGAGGGAGGCCCCACCGGGAGAAGTACCCGAGATCTGGGTCTCCCAACCTGC-3'